The following is an entry in ClinVar:

NM_000810.4(GABRA5):c.313A>G (p.Lys105Glu)

Gene: GABRA5 (gamma-aminobutyric acid type A receptor subunit alpha5; plus strand). Cytogenetic location: 15q12.
Variant type: single nucleotide variant.
Coding change: c.313A>G on transcript NM_000810.4 (MANE Select); coding-DNA position 313, A replaced by G.
Protein change: p.Lys105Glu; replaces lysine 105 with glutamic acid.
Molecular consequence: missense variant.
Genome position (GRCh38, 1-based): chr15:26,883,373, A>G. VCF-style: chr15-26883373-A-G. GRCh37 (hg19) VCF-style: chr15-27128520-A-G.
Other names: c.313A>G, p.Lys105Glu (NM_001165037.2); short protein forms K105E.
Identifiers: ClinVar variation 2585483 (VCV002585483.1), dbSNP rs745781222, ClinGen allele CA268193451.
Genomic context (GRCh38, chr15:26,883,373, plus strand): 5'-GCCTCGTGCCTTCCTTTCCACTAGGAGTACACCATAGACGTGTTTTTCCGACAAAGCTGG[A>G]AAGATGAAAGGCTTCGGTTTAAGGGGCCCATGCAGCGCCTCCCTCTCAACAACCTCCTTG-3'
Protein context (NP_000801.1, residues 95-115): TIDVFFRQSW[Lys105Glu]DERLRFKGPM

ClinVar aggregate classification (germline): Uncertain significance (1 of 4 stars; one submission).

Conditions:
Developmental and epileptic encephalopathy, 79. Also called: EPILEPTIC ENCEPHALOPATHY, EARLY INFANTILE, 79. Identifiers: MedGen C5231410, MONDO:0032813, OMIM 618559.

Submission:

Neuberg Centre For Genomic Medicine, NCGM
Classification: Uncertain significance for Developmental and epileptic encephalopathy, 79. Review status: criteria provided, single submitter. Criteria: ACMG Guidelines, 2015. Collection method: clinical testing. Allele origin: germline. Inheritance: Autosomal dominant inheritance. Affected: yes.
Comment: The missense variant p.K105E in GABRA5 (NM_000810.4) has not been reported previously as a pathogenic variant nor as a benign variant, to our knowledge. The p.K105E variant is novel (not in any individuals) in gnomAD Exomes and is novel (not in any individuals) in 1000 Genomes. The amino acid Lys at position 105 is changed to a Glu changing protein sequence and it might alter its composition and physico-chemical properties. The variant is predicted to be damaging by PolyPhen2 and the residue is conserved across species. The amino acid change p.Lys105Glu in GABRA5 is predicted as conserved by GERP++ and PhyloP across 100 vertebrates. For these reasons, this variant has been classified as Uncertain Significance.